The following is an entry in ClinVar:

ClinVar aggregate classification (germline): Benign/Likely benign. Review status: criteria provided, multiple submitters, no conflicts (2 of 4 stars). 2 submissions from 2 submitters: Benign (1); Likely benign (1). Last evaluated 2024-07-23.

Conditions:
Hereditary cancer-predisposing syndrome. Also called: Tumor predisposition; Hereditary neoplastic syndrome; Hereditary Cancer Syndrome; Neoplastic Syndromes, Hereditary. Identifiers: Orphanet 140162, MedGen C0027672, MeSH D009386, MONDO:0015356.
Familial cancer of breast. Also called: hereditary breast carcinoma; Hereditary breast cancer; BREAST CANCER, FAMILIAL. Identifiers: Orphanet 227535, MedGen C0346153, MONDO:0016419, OMIM 114480. Disease mechanism: loss of function.

Submissions (2):

Myriad Genetics, Inc.
Classification: Benign for Familial cancer of breast. Last evaluated: 2024-07-23. Review status: criteria provided, single submitter. Criteria: Myriad Autosomal Dominant, Autosomal Recessive and X-Linked Classification Criteria (2023). Collection method: clinical testing. Allele origin: unknown.
Comment: This variant is considered benign. This variant is a silent/synonymous amino acid change and it is not expected to impact splicing.

Color Diagnostics, LLC DBA Color Health
Classification: Likely benign for Hereditary cancer-predisposing syndrome. Last evaluated: 2020-11-03. Review status: criteria provided, single submitter. Criteria: ACMG Guidelines, 2015. Collection method: clinical testing. Allele origin: germline.

NM_000465.4(BARD1):c.837T>A (p.Ser279=)

Gene: BARD1 (BRCA1 associated RING domain 1; minus strand). Cytogenetic location: 2q35.
Variant type: single nucleotide variant.
Coding change: c.837T>A on transcript NM_000465.4 (MANE Select); coding-DNA position 837, T replaced by A.
Protein change: p.Ser279=; no amino-acid change (serine 279 retained).
Molecular consequence: synonymous variant. On other transcripts: non-coding transcript variant (2), intron variant (3).
Genome position (GRCh38, 1-based): chr2:214,781,037, A>T on the plus strand (T>A on the coding strand, the complement: BARD1 is on the minus strand). VCF-style: chr2-214781037-A-T. GRCh37 (hg19) VCF-style: chr2-215645761-A-T.
Other names: c.780T>A, p.Ser260= (NM_001282543.2); c.158+28375T>A (NM_001282548.2); c.215+16024T>A (NM_001282545.2); c.364+11260T>A (NM_001282549.2).
Identifiers: ClinVar variation 1170978 (VCV001170978.3), dbSNP rs760006966, ClinGen allele CA431391990.